The following is an entry in ClinVar:

ClinVar aggregate classification (germline): Uncertain significance (1 of 4 stars; one submission).

gnomAD v4.1: 3 of 1,552,144 alleles (0.00019%); highest among the groups gnomAD compares: Non-Finnish European, 0.00026%; no homozygotes.

Submission:

Labcorp Genetics (formerly Invitae), Labcorp
Classification: Uncertain significance. Last evaluated: 2022-11-07. Review status: criteria provided, single submitter. Criteria: Invitae Variant Classification Sherloc (09022015). Collection method: clinical testing. Allele origin: germline.
Comment: In summary, the available evidence is currently insufficient to determine the role of this variant in disease. Therefore, it has been classified as a Variant of Uncertain Significance. Algorithms developed to predict the effect of missense changes on protein structure and function (SIFT, PolyPhen-2, Align-GVGD) all suggest that this variant is likely to be tolerated. This variant has not been reported in the literature in individuals affected with TET2-related conditions. This variant is not present in population databases (gnomAD no frequency). This sequence change replaces arginine, which is basic and polar, with proline, which is neutral and non-polar, at codon 1572 of the TET2 protein (p.Arg1572Pro).

NM_001127208.3(TET2):c.4715G>C (p.Arg1572Pro)

Genes: TET2 (tet methylcytosine dioxygenase 2; plus strand), TET2-AS1 (TET2 antisense RNA 1; minus strand). Cytogenetic location: 4q24.
Variant type: single nucleotide variant.
Coding change: c.4715G>C on transcript NM_001127208.3 (MANE Select); coding-DNA position 4715, G replaced by C.
Protein change: p.Arg1572Pro; replaces arginine 1572 with proline.
Molecular consequence: missense variant.
Genome position (GRCh38, 1-based): chr4:105,275,225, G>C. VCF-style: chr4-105275225-G-C. GRCh37 (hg19) VCF-style: chr4-106196382-G-C.
Other names: short protein forms R1572P.
Identifiers: ClinVar variation 2906762 (VCV002906762.3), dbSNP rs201570239, ClinGen allele CA357813231.
Genomic context (GRCh38, chr4:105,275,225, plus strand): 5'-CTCAGACAGAGTCTGTCAACTCTTATTCTGCTTCTGGATCCACCAATCCATACATGAGAC[G>C]GCCCAATCCAGTTAGTCCTTATCCAAACTCTTCACACACTTCAGATATCTATGGAAGCAC-3'
Protein context (NP_001120680.1, residues 1562-1582): ASGSTNPYMR[Arg1572Pro]PNPVSPYPNS